The following is an entry in ClinVar:

ClinVar aggregate classification (germline): Uncertain significance (1 of 4 stars; one submission).

Submission:

Labcorp Genetics (formerly Invitae), Labcorp
Classification: Uncertain significance. Last evaluated: 2025-02-02. Review status: criteria provided, single submitter. Criteria: Invitae Variant Classification Sherloc (09022015). Collection method: clinical testing. Allele origin: germline.
Comment: This sequence change affects an acceptor splice site in intron 8 of the GABRA2 gene. It is expected to disrupt RNA splicing. Variants that disrupt the donor or acceptor splice site typically lead to a loss of protein function (PMID: 16199547), however the current clinical and genetic evidence is not sufficient to establish whether loss-of-function variants in GABRA2 cause disease. This variant is not present in population databases (gnomAD no frequency). This variant has not been reported in the literature in individuals affected with GABRA2-related conditions. Algorithms developed to predict the effect of sequence changes on RNA splicing suggest that this variant may disrupt the consensus splice site. In summary, the available evidence is currently insufficient to determine the role of this variant in disease. Therefore, it has been classified as a Variant of Uncertain Significance.

Literature cited by the submitters: PubMed 16199547.

NM_000807.4(GABRA2):c.857-1G>A

Gene: GABRA2 (gamma-aminobutyric acid type A receptor subunit alpha2; minus strand). Cytogenetic location: 4p12.
Variant type: single nucleotide variant.
Coding change: c.857-1G>A on transcript NM_000807.4 (MANE Select); the canonical splice acceptor site of the intron before coding-DNA position 857, G replaced by A.
Molecular consequence: splice acceptor variant.
Genome position (GRCh38, 1-based): chr4:46,262,129, C>T on the plus strand (G>A on the coding strand, the complement: GABRA2 is on the minus strand). VCF-style: chr4-46262129-C-T. GRCh37 (hg19) VCF-style: chr4-46264146-C-T.
Other names: c.692-1G>A (NM_001377154.1, NM_001377152.1, NM_001286827.3 and 1 more transcripts); c.857-1G>A (NM_001377146.1, NM_001377145.1, NM_001377144.1 and 8 more transcripts).
Identifiers: ClinVar variation 4711881 (VCV004711881.1).